The following is an entry in ClinVar:

NM_001374353.1(GLI2):c.4468G>A (p.Ala1490Thr)

Gene: GLI2 (GLI family zinc finger 2; plus strand). Cytogenetic location: 2q14.2.
Variant type: single nucleotide variant.
Coding change: c.4468G>A on transcript NM_001374353.1 (MANE Select); coding-DNA position 4468, G replaced by A.
Protein change: p.Ala1490Thr; replaces alanine 1490 with threonine.
Molecular consequence: missense variant.
Genome position (GRCh38, 1-based): chr2:120,990,433, G>A. VCF-style: chr2-120990433-G-A. GRCh37 (hg19) VCF-style: chr2-121748009-G-A.
Other names: c.4519G>A, p.Ala1507Thr (NM_001371271.1, NM_005270.5); c.4093G>A, p.Ala1365Thr (NM_001374354.1); short protein forms A1507T, A1490T, A1365T.
Identifiers: ClinVar variation 947362 (VCV000947362.1), dbSNP rs1187651972, ClinGen allele CA348179909.

ClinVar aggregate classification (germline): Uncertain significance (1 of 4 stars; one submission).

Conditions:
Holoprosencephaly 9 (HPE9). Also called: PITUITARY ANOMALIES WITH HOLOPROSENCEPHALY-LIKE FEATURES; HOLOPROSENCEPHALY WITH MICROPHTHALMIA AND FIRST BRANCHIAL ARCH ANOMALIES. Identifiers: Orphanet 2162, MedGen C1835819, MONDO:0012563, OMIM 610829.
Postaxial polydactyly-anterior pituitary anomalies-facial dysmorphism syndrome. Also called: Culler-Jones syndrome. Identifiers: Orphanet 420584, MedGen C4014479, MONDO:0014369, OMIM 615849.

gnomAD v4.1: 1 of 1,613,976 alleles (0.000062%); highest among the groups gnomAD compares: Non-Finnish European, 0.000085%; no homozygotes.

Submission:

Labcorp Genetics (formerly Invitae), Labcorp
Classification: Uncertain significance for Culler-Jones syndrome; Holoprosencephaly 9. Last evaluated: 2019-06-25. Review status: criteria provided, single submitter. Criteria: Invitae Variant Classification Sherloc (09022015). Collection method: clinical testing. Allele origin: germline.
Comment: This sequence change replaces alanine with threonine at codon 1507 of the GLI2 protein (p.Ala1507Thr). The alanine residue is weakly conserved and there is a small physicochemical difference between alanine and threonine. This variant is not present in population databases (ExAC no frequency). This variant has not been reported in the literature in individuals with GLI2-related conditions. Algorithms developed to predict the effect of missense changes on protein structure and function output the following: SIFT: "Tolerated"; PolyPhen-2: "Benign"; Align-GVGD: "Class C0". The threonine amino acid residue is found in multiple mammalian species, suggesting that this missense change does not adversely affect protein function. These predictions have not been confirmed by published functional studies and their clinical significance is uncertain. In summary, the available evidence is currently insufficient to determine the role of this variant in disease. Therefore, it has been classified as a Variant of Uncertain Significance.